The following is an entry in ClinVar:

NM_000051.4(ATM):c.4667A>C (p.Tyr1556Ser)

Gene: ATM (ATM serine/threonine kinase; plus strand). Cytogenetic location: 11q22.3.
Variant type: single nucleotide variant.
Coding change: c.4667A>C on transcript NM_000051.4 (MANE Select); coding-DNA position 4667, A replaced by C.
Protein change: p.Tyr1556Ser; replaces tyrosine 1556 with serine.
Molecular consequence: missense variant.
Genome position (GRCh38, 1-based): chr11:108,293,368, A>C. VCF-style: chr11-108293368-A-C. GRCh37 (hg19) VCF-style: chr11-108164095-A-C.
Other names: c.4667A>C, p.Tyr1556Ser (NM_001351834.2); short protein forms Y1556S.
Identifiers: ClinVar variation 972551 (VCV000972551.10), dbSNP rs587782037, ClinGen allele CA382534688.

ClinVar aggregate classification (germline): Conflicting classifications of pathogenicity. Review status: criteria provided, conflicting classifications (1 of 4 stars). 2 submissions from 2 submitters: Uncertain significance (1); Likely benign (1). Last evaluated 2024-08-21.

Conditions:
Hereditary cancer-predisposing syndrome. Also called: Tumor predisposition; Hereditary Cancer Syndrome; Neoplastic Syndromes, Hereditary; Hereditary neoplastic syndrome. Identifiers: Orphanet 140162, MedGen C0027672, MeSH D009386, MONDO:0015356.
Ataxia-telangiectasia syndrome (AT). Also called: Ataxia telangiectasia (A-T); Ataxia-telangiectasia; Cerebello-oculocutaneous telangiectasia; Immunodeficiency with ataxia telangiectasia; ATAXIA-TELANGIECTASIA, FRESNO VARIANT; LOUIS-BAR SYNDROME. Identifiers: Orphanet 100, MedGen C0004135, MONDO:0008840, OMIM 208900.

gnomAD v4.1: 1 of 1,597,402 alleles (0.000063%); highest among the groups gnomAD compares: East Asian, 0.0022%; no homozygotes.

Submissions (2):

Ambry Genetics
Classification: Likely benign for Hereditary cancer-predisposing syndrome. Last evaluated: 2024-08-21. Review status: criteria provided, single submitter. Criteria: Ambry Variant Classification Scheme 2023. Collection method: clinical testing. Allele origin: germline.

Labcorp Genetics (formerly Invitae), Labcorp
Classification: Uncertain significance for Ataxia-telangiectasia syndrome. Last evaluated: 2024-06-24. Review status: criteria provided, single submitter. Criteria: Invitae Variant Classification Sherloc (09022015). Collection method: clinical testing. Allele origin: germline.
Comment: This sequence change replaces tyrosine, which is neutral and polar, with serine, which is neutral and polar, at codon 1556 of the ATM protein (p.Tyr1556Ser). This variant is present in population databases (no rsID available, gnomAD 0.006%). This variant has not been reported in the literature in individuals affected with ATM-related conditions. ClinVar contains an entry for this variant (Variation ID: 972551). An algorithm developed to predict the effect of missense changes on protein structure and function (PolyPhen-2) suggests that this variant is likely to be tolerated. In summary, the available evidence is currently insufficient to determine the role of this variant in disease. Therefore, it has been classified as a Variant of Uncertain Significance.